The following is an entry in ClinVar:

NM_001040108.2(MLH3):c.264G>T (p.Arg88Ser)

Gene: MLH3 (mutL homolog 3; minus strand). Cytogenetic location: 14q24.3.
Variant type: single nucleotide variant.
Coding change: c.264G>T on transcript NM_001040108.2 (MANE Select); coding-DNA position 264, G replaced by T.
Protein change: p.Arg88Ser; replaces arginine 88 with serine.
Molecular consequence: missense variant.
Genome position (GRCh38, 1-based): chr14:75,049,392, C>A on the plus strand (G>T on the coding strand, the complement: MLH3 is on the minus strand). VCF-style: chr14-75049392-C-A. GRCh37 (hg19) VCF-style: chr14-75516095-C-A.
Other names: c.264G>T, p.Arg88Ser (NM_014381.3); short protein forms R88S.
Identifiers: ClinVar variation 1794319 (VCV001794319.3), dbSNP rs931460739, ClinGen allele CA263653965.
Genomic context (GRCh38, chr14:75,049,392, plus strand): 5'-TTCCACAGCACTGGCCATGTCAGCAATATTTGCCAAGGCCTCTCCTCGGAAACCATAAAA[C>A]CTTGGATTCTCCAAGTCCTGTACCGAGTGGCATTTACTGGTGAAATAACGATTTCCCACT-3'
Protein context (NP_001035197.1, residues 78-98): CHSVQDLENP[Arg88Ser]FYGFRGEALA

ClinVar aggregate classification (germline): Uncertain significance (1 of 4 stars; one submission).

Allele frequency attached by ClinVar (database versions not stated): TOPMed below 0.00001.
gnomAD v4.1: 1 of 1,614,022 alleles (0.000062%); highest among the groups gnomAD compares: Non-Finnish European, 0.000085%; no homozygotes.

Submission:

Ambry Genetics
Classification: Uncertain significance. Last evaluated: 2024-12-21. Review status: criteria provided, single submitter. Criteria: Ambry Variant Classification Scheme 2023. Collection method: clinical testing. Allele origin: germline.
Comment: The p.R88S variant (also known as c.264G>T), located in coding exon 1 of the MLH3 gene, results from a G to T substitution at nucleotide position 264. The arginine at codon 88 is replaced by serine, an amino acid with dissimilar properties. This amino acid position is conserved. In addition, this alteration is predicted to be tolerated by in silico analysis. Since supporting evidence is limited at this time, the clinical significance of this alteration remains unclear.